The following is an entry in ClinVar:

ClinVar aggregate classification (germline): Uncertain significance (1 of 4 stars; one submission).

gnomAD v4.1: 4 of 1,209,995 alleles (0.00033%); highest among the groups gnomAD compares: Admixed American, 0.0044%; no homozygotes.

Submission:

GeneDx
Classification: Uncertain significance. Last evaluated: 2023-12-13. Review status: criteria provided, single submitter. Criteria: GeneDx Variant Classification Process June 2021. Collection method: clinical testing. Allele origin: germline. Affected: yes.
Comment: Not observed at significant frequency in large population cohorts (gnomAD); In silico analysis supports that this missense variant does not alter protein structure/function; Has not been previously published as pathogenic or benign to our knowledge

NM_030624.3(KLHL15):c.1784A>G (p.Tyr595Cys)

Gene: KLHL15 (kelch like family member 15; minus strand). Cytogenetic location: Xp22.11.
Variant type: single nucleotide variant.
Coding change: c.1784A>G on transcript NM_030624.3 (MANE Select); coding-DNA position 1784, A replaced by G.
Protein change: p.Tyr595Cys; replaces tyrosine 595 with cysteine.
Molecular consequence: missense variant.
Genome position (GRCh38, 1-based): chrX:23,987,952, T>C on the plus strand (A>G on the coding strand, the complement: KLHL15 is on the minus strand). VCF-style: chrX-23987952-T-C. GRCh37 (hg19) VCF-style: chrX-24006069-T-C.
Other names: short protein forms Y595C.
Identifiers: ClinVar variation 3365668 (VCV003365668.1).